The following is an entry in ClinVar:

NM_004341.5(CAD):c.3865G>C (p.Ala1289Pro)

Gene: CAD (carbamoyl-phosphate synthetase 2, aspartate transcarbamylase, and dihydroorotase; plus strand). Cytogenetic location: 2p23.3.
Variant type: single nucleotide variant.
Coding change: c.3865G>C on transcript NM_004341.5 (MANE Select); coding-DNA position 3865, G replaced by C.
Protein change: p.Ala1289Pro; replaces alanine 1289 with proline.
Molecular consequence: missense variant.
Genome position (GRCh38, 1-based): chr2:27,235,323, G>C. VCF-style: chr2-27235323-G-C. GRCh37 (hg19) VCF-style: chr2-27458191-G-C.
Other names: c.3676G>C, p.Ala1226Pro (NM_001306079.2); short protein forms A1226P, A1289P.
Identifiers: ClinVar variation 2819291 (VCV002819291.3), dbSNP rs762073803, ClinGen allele CA346217061.

ClinVar aggregate classification (germline): Uncertain significance (1 of 4 stars; one submission).

Submission:

Labcorp Genetics (formerly Invitae), Labcorp
Classification: Uncertain significance. Last evaluated: 2022-12-15. Review status: criteria provided, single submitter. Criteria: Invitae Variant Classification Sherloc (09022015). Collection method: clinical testing. Allele origin: germline.
Comment: This variant has not been reported in the literature in individuals affected with CAD-related conditions. In summary, the available evidence is currently insufficient to determine the role of this variant in disease. Therefore, it has been classified as a Variant of Uncertain Significance. Advanced modeling of protein sequence and biophysical properties (such as structural, functional, and spatial information, amino acid conservation, physicochemical variation, residue mobility, and thermodynamic stability) performed at Invitae indicates that this missense variant is expected to disrupt CAD protein function. This variant is not present in population databases (gnomAD no frequency). This sequence change replaces alanine, which is neutral and non-polar, with proline, which is neutral and non-polar, at codon 1289 of the CAD protein (p.Ala1289Pro).